The following is an entry in ClinVar:

NM_000094.4(COL7A1):c.1442G>A (p.Arg481His)

Gene: COL7A1 (collagen type VII alpha 1 chain; minus strand). Cytogenetic location: 3p21.31.
Variant type: single nucleotide variant.
Coding change: c.1442G>A on transcript NM_000094.4 (MANE Select); coding-DNA position 1442, G replaced by A.
Protein change: p.Arg481His; replaces arginine 481 with histidine.
Molecular consequence: missense variant.
Genome position (GRCh38, 1-based): chr3:48,591,738, C>T on the plus strand (G>A on the coding strand, the complement: COL7A1 is on the minus strand). VCF-style: chr3-48591738-C-T. GRCh37 (hg19) VCF-style: chr3-48629171-C-T.
Other names: short protein forms R481H.
Identifiers: ClinVar variation 373954 (VCV000373954.7), dbSNP rs147040026, ClinGen allele CA2381209.

ClinVar aggregate classification (germline): Uncertain significance. Review status: criteria provided, multiple submitters, no conflicts (2 of 4 stars). 3 submissions from 3 submitters: Uncertain significance (2). 1 of the submissions does not count toward it. Last evaluated 2023-10-30.

Conditions:
Epidermolytic ichthyosis. Also called: Congenital bullous ichthyosiform erythroderma; Bullous ichthyosiform erythroderma; KRT10-Related Epidermolytic Hyperkeratosis; Epidermolytic Hyperkeratosis. Identifiers: Orphanet 312, MedGen C0079153, MONDO:0007239, HP:0007475.
Ichthyosis. Also called: Ichthyosis (disease). Identifiers: Orphanet 79354, MedGen C0020757, MONDO:0019269, HP:0008064.
Epidermal nevus. Also called: Nevus, epidermal, somatic; NEVUS, KERATINOCYTIC, NONEPIDERMOLYTIC. Identifiers: Orphanet 79414, MedGen C0334082, MONDO:0008093, OMIM 162900, HP:0010816.
Abnormality of the thyroid gland. Identifiers: MedGen C4317107, MONDO:0003240, HP:0000820.

Allele frequency attached by ClinVar (database versions not stated): TOPMed 0.00001; ExAC 0.00002; gnomAD 0.00002; ESP Exome Variant Server 0.00008.
gnomAD v4.1: 17 of 1,613,982 alleles (0.0011%); highest among the groups gnomAD compares: East Asian, 0.0022%; no homozygotes.

Submissions (3):

Labcorp Genetics (formerly Invitae), Labcorp
Classification: Uncertain significance. Last evaluated: 2023-10-30. Review status: criteria provided, single submitter. Criteria: Invitae Variant Classification Sherloc (09022015). Collection method: clinical testing. Allele origin: germline.
Comment: This sequence change replaces arginine, which is basic and polar, with histidine, which is basic and polar, at codon 481 of the COL7A1 protein (p.Arg481His). This variant is present in population databases (rs147040026, gnomAD 0.003%). This variant has not been reported in the literature in individuals affected with COL7A1-related conditions. ClinVar contains an entry for this variant (Variation ID: 373954). Advanced modeling of protein sequence and biophysical properties (such as structural, functional, and spatial information, amino acid conservation, physicochemical variation, residue mobility, and thermodynamic stability) performed at Invitae indicates that this missense variant is not expected to disrupt COL7A1 protein function with a negative predictive value of 95%. In summary, the available evidence is currently insufficient to determine the role of this variant in disease. Therefore, it has been classified as a Variant of Uncertain Significance.

Women's Health and Genetics/Laboratory Corporation of America, LabCorp
Classification: Uncertain significance. Last evaluated: 2023-09-18. Review status: criteria provided, single submitter. Criteria: LabCorp Variant Classification Summary - May 2015. Collection method: clinical testing. Allele origin: germline.
Comment: Variant summary: COL7A1 c.1442G>A (p.Arg481His) results in a non-conservative amino acid change located in the Fibronectin type III (IPR003961) of the encoded protein sequence. Three of five in-silico tools predict a damaging effect of the variant on protein function. The variant allele was found at a frequency of 1.6e-05 in 251074 control chromosomes. The available data on variant occurrences in the general population are insufficient to allow any conclusion about variant significance. To our knowledge, no occurrence of c.1442G>A in individuals affected with Dystrophic Epidermolysis Bullosa, Recessive and no experimental evidence demonstrating its impact on protein function have been reported. Two submitters have cited clinical-significance assessments for this variant to ClinVar after 2014. One submitter classified the variant as likely pathogenic, and one submitter classified the variant as uncertain significance. Based on the evidence outlined above, the variant was classified as uncertain significance.

Centre for Mendelian Genomics, University Medical Centre Ljubljana
Classification: Likely pathogenic for Abnormality of the thyroid gland; Epidermolytic ichthyosis; Epidermal nevus; Ichthyosis. Last evaluated: 2016-03-23. Review status: no assertion criteria provided. Collection method: clinical testing. Allele origin: unknown. Affected: yes. Not counted in ClinVar's aggregate classification.